The following is an entry in ClinVar:

ClinVar aggregate classification (germline): Likely benign (1 of 4 stars; one submission).

gnomAD v4.1: 1,117 of 1,610,786 alleles (0.069%); highest among the groups gnomAD compares: African/African-American, 1.3%; 8 homozygotes.

Submission:

CeGaT Center for Human Genetics Tuebingen
Classification: Likely benign. Last evaluated: 2025-09-01. Review status: criteria provided, single submitter. Criteria: CeGaT Center For Human Genetics Tuebingen Variant Classification Criteria Version 2. Collection method: clinical testing. Allele origin: germline. Affected: yes. Observed: 1 variant allele.
Comment: ROS1: BP4, BS1

NM_001378902.1(ROS1):c.4298T>C (p.Phe1433Ser)

Gene: ROS1 (ROS proto-oncogene 1, receptor tyrosine kinase; minus strand). Cytogenetic location: 6q22.1.
Variant type: single nucleotide variant.
Coding change: c.4298T>C on transcript NM_001378902.1 (MANE Select); coding-DNA position 4298, T replaced by C.
Protein change: p.Phe1433Ser; replaces phenylalanine 1433 with serine.
Molecular consequence: missense variant.
Genome position (GRCh38, 1-based): chr6:117,352,995, A>G on the plus strand (T>C on the coding strand, the complement: ROS1 is on the minus strand). VCF-style: chr6-117352995-A-G. GRCh37 (hg19) VCF-style: chr6-117674158-A-G.
Other names: c.4304T>C, p.Phe1435Ser (NM_001378891.1); c.4316T>C, p.Phe1439Ser (NM_002944.3); short protein forms F1433S, F1435S, F1439S.
Identifiers: ClinVar variation 4280781 (VCV004280781.7).
Genomic context (GRCh38, chr6:117,352,995, plus strand): 5'-ATTTTTCTGACCCTAAATTGGGAGAACAAGCTGATTACGAATGTGACTTTATTACCTGGA[A>G]AAGGCTGCATAACTGAACTGTAAGCCAAGATATGCCTACTCCTTAGGGCCTTCACCTGGG-3'
Protein context (NP_001365831.1, residues 1423-1443): ILAYSSVMQP[Phe1433Ser]PDKAFLSLAS